The following is an entry in ClinVar:

NM_002240.5(KCNJ6):c.701del (p.Glu234fs)

Genes: KCNJ6 (potassium inwardly rectifying channel subfamily J member 6; minus strand), KCNJ6-AS1 (KCNJ6 antisense RNA 1; plus strand). Cytogenetic location: 21q22.13.
Variant type: Deletion.
Coding change: c.701del on transcript NM_002240.5 (MANE Select); coding-DNA position 701, one base deleted (A; older notation c.701delA).
Protein change: p.Glu234fs; shifts the reading frame from glutamic acid 234.
Molecular consequence: frameshift variant.
Genome position (GRCh38, 1-based): chr21:37,714,456, T deleted on the plus strand (A on the coding strand, the reverse complement: KCNJ6 is on the minus strand). VCF-style (leftmost placement, unchanged base first): chr21-37714455-CT-C. GRCh37 (hg19) VCF-style: chr21-39086758-CT-C.
Other names: short protein forms E234fs.
Identifiers: ClinVar variation 1329669 (VCV001329669.2), dbSNP rs2123451684, ClinGen allele CA2573054934.

ClinVar aggregate classification (germline): Uncertain significance (1 of 4 stars; one submission).

Submission:

GeneDx
Classification: Uncertain significance. Last evaluated: 2021-06-26. Review status: criteria provided, single submitter. Criteria: GeneDx Variant Classification Process June 2021. Collection method: clinical testing. Allele origin: germline. Affected: yes.
Comment: Not observed at significant frequency in large population cohorts (Lek et al., 2016); Frameshift variant predicted to result in protein truncation or nonsense mediated decay in a gene for which loss-of-function is not a known mechanism of disease; Has not been previously published as pathogenic or benign to our knowledge; This variant is associated with the following publications: (PMID: 27535533)